The following is an entry in ClinVar:

NM_004714.3(DYRK1B):c.1656C>T (p.Pro552=)

Gene: DYRK1B (dual specificity tyrosine phosphorylation regulated kinase 1B; minus strand). Cytogenetic location: 19q13.2.
Variant type: single nucleotide variant.
Coding change: c.1656C>T on transcript NM_004714.3 (MANE Select); coding-DNA position 1656, C replaced by T.
Protein change: p.Pro552=; no amino-acid change (proline 552 retained).
Molecular consequence: synonymous variant.
Genome position (GRCh38, 1-based): chr19:39,825,949, G>A on the plus strand (C>T on the coding strand, the complement: DYRK1B is on the minus strand). VCF-style: chr19-39825949-G-A. GRCh37 (hg19) VCF-style: chr19-40316589-G-A.
Other names: c.1536C>T, p.Pro512= (NM_006483.3); c.1572C>T, p.Pro524= (NM_006484.3).
Identifiers: ClinVar variation 4998447 (VCV004998447.1).
Genomic context (GRCh38, chr19:39,825,949, plus strand): 5'-AGGGCCGCCCACCAGGCTCACATCCATCAGCTCCGGGGGTGGTGGTGAGGTTGGTGATGG[G>A]GGACGACCAAGGTATCGGGGCTGGGGGGGTAACTGGGCCCCGGTCCCAGGCAGTGACGAG-3'
Protein context (NP_004705.1, residues 542-562): LPPQPRYLGR[Pro552=]PSPTSPPPPE

ClinVar aggregate classification (germline): Likely benign (1 of 4 stars; one submission).

Conditions:
DYRK1B-related disorder. Also called: DYRK1B-related condition.

Submission:

PreventionGenetics, part of Exact Sciences
Classification: Likely benign for DYRK1B-related condition. Last evaluated: 2025-09-03. Review status: criteria provided, single submitter. Criteria: ACMG Guidelines, 2015. Collection method: clinical testing. Allele origin: germline.
Comment: This variant is classified as likely benign based on ACMG/AMP sequence variant interpretation guidelines (Richards et al. 2015 PMID: 25741868, with internal and published modifications).